The following is an entry in ClinVar:

ClinVar aggregate classification (germline): Conflicting classifications of pathogenicity. Review status: criteria provided, conflicting classifications (1 of 4 stars). 8 submissions from 8 submitters: Uncertain significance (3); Likely benign (4). 1 of the submissions does not count toward it. Last evaluated 2026-08-06.

Conditions:
Cardiovascular phenotype. Identifiers: MedGen CN230736.
Telangiectasia, hereditary hemorrhagic, type 5 (HHT5). Identifiers: Orphanet 774, MedGen C3809710, MONDO:0014217, OMIM 615506.

Allele frequency attached by ClinVar (database versions not stated): 1000 Genomes Project 30x 0.00016; TOPMed 0.00154; ESP Exome Variant Server 0.00200.
gnomAD v4.1: 342 of 1,614,030 alleles (0.021%); highest among the groups gnomAD compares: African/African-American, 0.37%; no homozygotes.

Submissions (8):

OLLIN Analises Genomicas, OLLIN
Classification: Uncertain significance for Telangiectasia, hereditary hemorrhagic, type 5. Last evaluated: 2026-08-06. Review status: criteria provided, single submitter. Criteria: ACMG Guidelines 2015 PMID 25741868. Collection method: clinical testing. Allele origin: germline.
Comment: This missense variant, located in exon 2 (of 2), has been reported in ClinVar (accession VCV001768789.4) and in gnomAD with an allele frequency of 0.021%. However, to our knowledge, it has not been reported in the scientific literature. In silico analysis is inconclusive regarding the impact of this variant. According to the currently available evidence, this variant has been classified as uncertain significance (BS1).

Labcorp Genetics (formerly Invitae), Labcorp
Classification: Likely benign for Telangiectasia, hereditary hemorrhagic, type 5. Last evaluated: 2025-10-07. Review status: criteria provided, single submitter. Criteria: Invitae Variant Classification Sherloc (09022015). Collection method: clinical testing. Allele origin: germline.

Mayo Clinic Laboratories, Mayo Clinic
Classification: Uncertain significance. Last evaluated: 2024-06-12. Review status: criteria provided, single submitter. Criteria: ACMG Guidelines, 2015. Collection method: clinical testing. Allele origin: germline. Observed: 2 variant alleles.
Comment: BS1

GeneDx
Classification: Likely benign. Last evaluated: 2024-04-08. Review status: criteria provided, single submitter. Criteria: GeneDx Variant Classification Process June 2021. Collection method: clinical testing. Allele origin: germline.
Comment: This variant is associated with the following publications: (PMID: 34611981, 25620979, 32992168, 32573726, 34904380, 31661308, 31727138, 23972370)

Mendelics
Classification: Uncertain significance. Last evaluated: 2022-05-04. Review status: criteria provided, single submitter. Criteria: Mendelics Assertion Criteria 2019. Collection method: clinical testing. Allele origin: germline.

Ambry Genetics
Classification: Likely benign for Cardiovascular phenotype. Last evaluated: 2020-07-21. Review status: criteria provided, single submitter. Criteria: Ambry Variant Classification Scheme 2023. Collection method: clinical testing. Allele origin: germline.

NIHR Bioresource Rare Diseases, University of Cambridge
Classification: Likely benign for Telangiectasia, hereditary hemorrhagic, type 5. Last evaluated: 2018-01-01. Review status: criteria provided, single submitter. Criteria: ACMG Guidelines, 2015. Collection method: research. Allele origin: unknown. Affected: yes. Observed: 1 variant allele.
Comment: BS1 + BP2

OMIM
Classification: Pathogenic for TELANGIECTASIA, HEREDITARY HEMORRHAGIC, TYPE 5. Last evaluated: 2013-09-05. Review status: no assertion criteria provided. Collection method: literature only. Allele origin: germline. Not counted in ClinVar's aggregate classification.

Literature cited by the submitters: PubMed 23972370 (cited by 3 submitters); PubMed 30476936 (cited by Mayo Clinic Laboratories, Mayo Clinic); PubMed 31727138 (cited by Mayo Clinic Laboratories, Mayo Clinic); PubMed 32573726 (cited by NIHR Bioresource Rare Diseases, University of Cambridge); Hamosh, A. Personal Communication. 2024. Baltimore, Md. (cited by OMIM).

NM_016204.4(GDF2):c.997C>T (p.Arg333Trp)

Gene: GDF2 (growth differentiation factor 2; plus strand). Cytogenetic location: 10q11.22.
Variant type: single nucleotide variant.
Coding change: c.997C>T on transcript NM_016204.4 (MANE Select); coding-DNA position 997, C replaced by T.
Protein change: p.Arg333Trp; replaces arginine 333 with tryptophan.
Molecular consequence: missense variant.
Genome position (GRCh38, 1-based): chr10:47,325,491, C>T. VCF-style: chr10-47325491-C-T. GRCh37 (hg19) VCF-style: chr10-48413871-G-A.
Other names: c.997C>T (NM_016204.1); short protein forms R333W.
Identifiers: ClinVar variation 88652 (VCV000088652.19), dbSNP rs35129734, ClinGen allele CA145272.